The following is an entry in ClinVar:

NM_001243133.2(NLRP3):c.1178C>G (p.Ala393Gly)

Gene: NLRP3 (NLR family pyrin domain containing 3; plus strand). Cytogenetic location: 1q44.
Variant type: single nucleotide variant.
Coding change: c.1178C>G on transcript NM_001243133.2 (MANE Select); coding-DNA position 1178, C replaced by G.
Protein change: p.Ala393Gly; replaces alanine 393 with glycine.
Molecular consequence: missense variant.
Genome position (GRCh38, 1-based): chr1:247,424,627, C>G. VCF-style: chr1-247424627-C-G. GRCh37 (hg19) VCF-style: chr1-247587929-C-G.
Other names: c.1178C>G, p.Ala393Gly (NM_001079821.3, NM_001127461.3, NM_001127462.3 and 1 more transcripts); c.1184C>G, p.Ala395Gly (NM_004895.5); short protein forms A393G, A395G.
Identifiers: ClinVar variation 1995732 (VCV001995732.4), dbSNP rs2527266859, ClinGen allele CA345556261.
Genomic context (GRCh38, chr1:247,424,627, plus strand): 5'-AGGCCAAAAGGAAAGAGTACTTCTTCAAGTACTTCTCTGATGAGGCCCAAGCCAGGGCAG[C>G]CTTCAGTCTGATTCAGGAGAACGAGGTCCTCTTCACCATGTGCTTCATCCCCCTGGTCTG-3'
Protein context (NP_001230062.1, residues 383-403): YFSDEAQARA[Ala393Gly]FSLIQENEVL

ClinVar aggregate classification (germline): Uncertain significance (1 of 4 stars; one submission).

Conditions:
Cryopyrin associated periodic syndrome (CAPS). Identifiers: Orphanet 208650, MedGen C2316212, MONDO:0016168.

Allele frequency attached by ClinVar (database versions not stated): gnomAD exomes below 0.00001.
gnomAD v4.1: 2 of 1,614,256 alleles (0.00012%); highest among the groups gnomAD compares: Non-Finnish European, 0.00017%; no homozygotes.

Submission:

Labcorp Genetics (formerly Invitae), Labcorp
Classification: Uncertain significance for Cryopyrin associated periodic syndrome. Last evaluated: 2022-05-17. Review status: criteria provided, single submitter. Criteria: Invitae Variant Classification Sherloc (09022015). Collection method: clinical testing. Allele origin: germline.
Comment: In summary, the available evidence is currently insufficient to determine the role of this variant in disease. Therefore, it has been classified as a Variant of Uncertain Significance. Algorithms developed to predict the effect of missense changes on protein structure and function output the following: SIFT: "Deleterious"; PolyPhen-2: "Probably Damaging"; Align-GVGD: "Class C55". The glycine amino acid residue is found in multiple mammalian species, which suggests that this missense change does not adversely affect protein function. This variant has not been reported in the literature in individuals affected with NLRP3-related conditions. This variant is not present in population databases (gnomAD no frequency). This sequence change replaces alanine, which is neutral and non-polar, with glycine, which is neutral and non-polar, at codon 395 of the NLRP3 protein (p.Ala395Gly).